The following is an entry in ClinVar:

ClinVar aggregate classification (germline): Uncertain significance (1 of 4 stars; one submission).

Allele frequency attached by ClinVar (database versions not stated): TOPMed below 0.00001; ExAC 0.00001; gnomAD exomes 0.00001.
gnomAD v4.1: 8 of 1,610,224 alleles (0.0005%); highest among the groups gnomAD compares: South Asian, 0.0011%; no homozygotes.

Submission:

Labcorp Genetics (formerly Invitae), Labcorp
Classification: Uncertain significance. Last evaluated: 2022-06-27. Review status: criteria provided, single submitter. Criteria: Invitae Variant Classification Sherloc (09022015). Collection method: clinical testing. Allele origin: germline.
Comment: This sequence change replaces arginine, which is basic and polar, with glutamine, which is neutral and polar, at codon 1979 of the KMT2A protein (p.Arg1979Gln). This variant is present in population databases (rs782785673, gnomAD 0.01%). This variant has not been reported in the literature in individuals affected with KMT2A-related conditions. Advanced modeling of protein sequence and biophysical properties (such as structural, functional, and spatial information, amino acid conservation, physicochemical variation, residue mobility, and thermodynamic stability) performed at Invitae indicates that this missense variant is not expected to disrupt KMT2A protein function. In summary, the available evidence is currently insufficient to determine the role of this variant in disease. Therefore, it has been classified as a Variant of Uncertain Significance.

NM_001197104.2(KMT2A):c.5936G>A (p.Arg1979Gln)

Gene: KMT2A (lysine methyltransferase 2A; plus strand). Cytogenetic location: 11q23.3.
Variant type: single nucleotide variant.
Coding change: c.5936G>A on transcript NM_001197104.2 (MANE Select); coding-DNA position 5936, G replaced by A.
Protein change: p.Arg1979Gln; replaces arginine 1979 with glutamine.
Molecular consequence: missense variant.
Genome position (GRCh38, 1-based): chr11:118,498,503, G>A. VCF-style: chr11-118498503-G-A. GRCh37 (hg19) VCF-style: chr11-118369218-G-A.
Other names: c.6026G>A, p.Arg2009Gln (NM_001412597.1); c.5927G>A, p.Arg1976Gln (NM_005933.4); short protein forms R1976Q, R1979Q, R2009Q.
Identifiers: ClinVar variation 2011639 (VCV002011639.4), dbSNP rs782785673, ClinGen allele CA6304132.
Genomic context (GRCh38, chr11:118,498,503, plus strand): 5'-TCATGTGTTCCCGAGCCAAGAACTGTGTCTTTCTGGATGATAAAAAAGTATATTGCCAAC[G>A]ACATCGGGATTTGATCAAAGGCGAAGTGAGAGAGCTTTAGTTGCTTTAAAAAAAAAAAAA-3'
Protein context (NP_001184033.1, residues 1969-1989): FLDDKKVYCQ[Arg1979Gln]HRDLIKGEVV